The following is an entry in ClinVar:

ClinVar aggregate classification (germline): Likely benign. Review status: criteria provided, multiple submitters, no conflicts (2 of 4 stars). 2 submissions from 2 submitters: Likely benign (2). Last evaluated 2026-06-01.

Allele frequency attached by ClinVar (database versions not stated): gnomAD 0.00001; gnomAD exomes 0.00001; ExAC 0.00002; TOPMed 0.00003; ESP Exome Variant Server 0.00008.
gnomAD v4.1: 14 of 1,613,454 alleles (0.00087%); highest among the groups gnomAD compares: East Asian, 0.011%; no homozygotes.

Submissions (2):

CeGaT Center for Human Genetics Tuebingen
Classification: Likely benign. Last evaluated: 2026-06-01. Review status: criteria provided, single submitter. Criteria: CeGaT Center For Human Genetics Tuebingen Variant Classification Criteria Version 2. Collection method: clinical testing. Allele origin: germline. Affected: yes. Observed: 2 variant alleles.
Comment: KIDINS220: BP4, BP7

Labcorp Genetics (formerly Invitae), Labcorp
Classification: Likely benign. Last evaluated: 2026-01-25. Review status: criteria provided, single submitter. Criteria: Invitae Variant Classification Sherloc (09022015). Collection method: clinical testing. Allele origin: germline.

NM_020738.4(KIDINS220):c.2397G>A (p.Pro799=)

Gene: KIDINS220 (kinase D interacting substrate 220; minus strand). Cytogenetic location: 2p25.1.
Variant type: single nucleotide variant.
Coding change: c.2397G>A on transcript NM_020738.4 (MANE Select); coding-DNA position 2397, G replaced by A.
Protein change: p.Pro799=; no amino-acid change (proline 799 retained).
Molecular consequence: synonymous variant. On other transcripts: non-coding transcript variant (2).
Genome position (GRCh38, 1-based): chr2:8,779,113, C>T on the plus strand (G>A on the coding strand, the complement: KIDINS220 is on the minus strand). VCF-style: chr2-8779113-C-T. GRCh37 (hg19) VCF-style: chr2-8919243-C-T.
Other names: c.2400G>A, p.Pro800= (NM_001348729.2, NM_001348731.2, NM_001348734.2 and 3 more transcripts); c.2397G>A, p.Pro799= (NM_001348732.2, NM_001348735.2, NM_001348738.2 and 3 more transcripts); c.2271G>A, p.Pro757= (NM_001348736.2).
Identifiers: ClinVar variation 3025647 (VCV003025647.23), dbSNP rs374611448, ClinGen allele CA1519976.